The following is an entry in ClinVar:

NM_004752.4(GCM2):c.307C>A (p.Pro103Thr)

Gene: GCM2 (GCM transcription factor 2; minus strand). Cytogenetic location: 6p24.2.
Variant type: single nucleotide variant.
Coding change: c.307C>A on transcript NM_004752.4 (MANE Select); coding-DNA position 307, C replaced by A.
Protein change: p.Pro103Thr; replaces proline 103 with threonine.
Molecular consequence: missense variant.
Genome position (GRCh38, 1-based): chr6:10,877,176, G>T on the plus strand (C>A on the coding strand, the complement: GCM2 is on the minus strand). VCF-style: chr6-10877176-G-T. GRCh37 (hg19) VCF-style: chr6-10877409-G-T.
Other names: short protein forms P103T.
Identifiers: ClinVar variation 5002535 (VCV005002535.1).

ClinVar aggregate classification (germline): Uncertain significance (1 of 4 stars; one submission).

Conditions:
GCM2-related disorder. Also called: GCM2-related condition.

Submission:

PreventionGenetics, part of Exact Sciences
Classification: Uncertain significance for GCM2-related condition. Last evaluated: 2024-12-03. Review status: criteria provided, single submitter. Criteria: ACMG Guidelines, 2015. Collection method: clinical testing. Allele origin: germline.
Comment: The GCM2 c.307C>A variant is predicted to result in the amino acid substitution p.Pro103Thr. To our knowledge, this variant has not been reported in the literature or in a large population database (gnomAD), indicating this variant is rare. At this time, the clinical significance of this variant is uncertain due to the absence of conclusive functional and genetic evidence.